The following is an entry in ClinVar:

ClinVar aggregate classification (germline): Uncertain significance (1 of 4 stars; one submission).

Allele frequency attached by ClinVar (database versions not stated): gnomAD 0.00001; TOPMed 0.00001.
gnomAD v4.1: 9 of 1,614,060 alleles (0.00056%); highest among the groups gnomAD compares: Non-Finnish European, 0.00076%; no homozygotes.

Submission:

Labcorp Genetics (formerly Invitae), Labcorp
Classification: Uncertain significance. Last evaluated: 2022-05-28. Review status: criteria provided, single submitter. Criteria: Invitae Variant Classification Sherloc (09022015). Collection method: clinical testing. Allele origin: germline.
Comment: This variant is present in population databases (no rsID available, gnomAD 0.002%). This sequence change replaces glutamine, which is neutral and polar, with arginine, which is basic and polar, at codon 518 of the EARS2 protein (p.Gln518Arg). This variant has not been reported in the literature in individuals affected with EARS2-related conditions. In summary, the available evidence is currently insufficient to determine the role of this variant in disease. Therefore, it has been classified as a Variant of Uncertain Significance. Advanced modeling of protein sequence and biophysical properties (such as structural, functional, and spatial information, amino acid conservation, physicochemical variation, residue mobility, and thermodynamic stability) performed at Invitae indicates that this missense variant is not expected to disrupt EARS2 protein function.

NM_001083614.2(EARS2):c.1553A>G (p.Gln518Arg)

Gene: EARS2 (glutamyl-tRNA synthetase 2, mitochondrial; minus strand). Cytogenetic location: 16p12.2.
Variant type: single nucleotide variant.
Coding change: c.1553A>G on transcript NM_001083614.2 (MANE Select); coding-DNA position 1553, A replaced by G.
Protein change: p.Gln518Arg; replaces glutamine 518 with arginine.
Molecular consequence: missense variant. On other transcripts: non-coding transcript variant (1).
Genome position (GRCh38, 1-based): chr16:23,524,390, T>C on the plus strand (A>G on the coding strand, the complement: EARS2 is on the minus strand). VCF-style: chr16-23524390-T-C. GRCh37 (hg19) VCF-style: chr16-23535711-T-C.
Other names: c.1553A>G, p.Gln518Arg (NM_133451.1); short protein forms Q518R.
Identifiers: ClinVar variation 1928291 (VCV001928291.5), dbSNP rs1249490630, ClinGen allele CA395125884.